The following is an entry in ClinVar:

ClinVar aggregate classification (germline): Uncertain significance. Review status: criteria provided, multiple submitters, no conflicts (2 of 4 stars). 3 submissions from 3 submitters: Uncertain significance (3). Last evaluated 2025-12-02.

Conditions:
Inborn genetic diseases. Identifiers: MedGen C0950123, MeSH D030342.

Allele frequency attached by ClinVar (database versions not stated): ExAC 0.00003; gnomAD exomes 0.00003; TOPMed 0.00006; gnomAD 0.00007; ESP Exome Variant Server 0.00008.

Submissions (3):

Labcorp Genetics (formerly Invitae), Labcorp
Classification: Uncertain significance. Last evaluated: 2025-12-02. Review status: criteria provided, single submitter. Criteria: Invitae Variant Classification Sherloc (09022015). Collection method: clinical testing. Allele origin: germline.
Comment: This sequence change replaces aspartic acid, which is acidic and polar, with asparagine, which is neutral and polar, at codon 2645 of the DCHS1 protein (p.Asp2645Asn). This variant is present in population databases (rs369748827, gnomAD 0.006%). This variant has not been reported in the literature in individuals affected with DCHS1-related conditions. ClinVar contains an entry for this variant (Variation ID: 1307238). Invitae Evidence Modeling of protein sequence and biophysical properties (such as structural, functional, and spatial information, amino acid conservation, physicochemical variation, residue mobility, and thermodynamic stability) indicates that this missense variant is expected to disrupt DCHS1 protein function with a positive predictive value of 80%. In summary, the available evidence is currently insufficient to determine the role of this variant in disease. Therefore, it has been classified as a Variant of Uncertain Significance.

Ambry Genetics
Classification: Uncertain significance for Inborn genetic diseases. Last evaluated: 2025-08-05. Review status: criteria provided, single submitter. Criteria: Ambry Variant Classification Scheme 2023. Collection method: clinical testing. Allele origin: germline.

GeneDx
Classification: Uncertain significance. Last evaluated: 2019-07-25. Review status: criteria provided, single submitter. Criteria: GeneDx Variant Classification Process June 2021. Collection method: clinical testing. Allele origin: germline. Affected: yes.
Comment: In silico analysis, which includes protein predictors and evolutionary conservation, supports that this variant does not alter protein structure/function; Has not been previously published as pathogenic or benign to our knowledge

NM_003737.4(DCHS1):c.7933G>A (p.Asp2645Asn)

Gene: DCHS1 (dachsous cadherin-related 1; minus strand). Cytogenetic location: 11p15.4.
Variant type: single nucleotide variant.
Coding change: c.7933G>A on transcript NM_003737.4 (MANE Select); coding-DNA position 7933, G replaced by A.
Protein change: p.Asp2645Asn; replaces aspartic acid 2645 with asparagine.
Molecular consequence: missense variant.
Genome position (GRCh38, 1-based): chr11:6,623,743, C>T on the plus strand (G>A on the coding strand, the complement: DCHS1 is on the minus strand). VCF-style: chr11-6623743-C-T. GRCh37 (hg19) VCF-style: chr11-6644974-C-T.
Other names: c.7933G>A (NM_003737.2); short protein forms D2645N.
Identifiers: ClinVar variation 1307238 (VCV001307238.7), dbSNP rs369748827, ClinGen allele CA5859512.
Genomic context (GRCh38, chr11:6,623,743, plus strand): 5'-GGGCATGGGCCAGTCGCAAGGTGCCTGAGCTCTCATCCAGCTCAAAGAGCCCTGATGGGT[C>T]GCCTGAGCTGACAGTGAAACGCACGAGGCCATGAGGGCCAGGGTCAGCGTCAGAGGCCTC-3'
Protein context (NP_003728.1, residues 2635-2655): GLVRFTVSSG[Asp2645Asn]PSGLFELDES